The following is an entry in ClinVar:

NM_001348716.2(KDM6B):c.248C>T (p.Pro83Leu)

Gene: KDM6B (lysine demethylase 6B; plus strand). Cytogenetic location: 17p13.1.
Variant type: single nucleotide variant.
Coding change: c.248C>T on transcript NM_001348716.2 (MANE Select); coding-DNA position 248, C replaced by T.
Protein change: p.Pro83Leu; replaces proline 83 with leucine.
Molecular consequence: missense variant.
Genome position (GRCh38, 1-based): chr17:7,846,089, C>T. VCF-style: chr17-7846089-C-T. GRCh37 (hg19) VCF-style: chr17-7749407-C-T.
Other names: c.248C>T, p.Pro83Leu (NM_001080424.2); short protein forms P83L.
Identifiers: ClinVar variation 2368275 (VCV002368275.4), dbSNP rs141369717, ClinGen allele CA8360138.

ClinVar aggregate classification (germline): Likely benign. Review status: criteria provided, single submitter (1 of 4 stars). 2 submissions from 2 submitters: Likely benign (1). 1 of the submissions does not count toward it. Last evaluated 2021-06-15.

Conditions:
Inborn genetic diseases. Identifiers: MedGen C0950123, MeSH D030342.
KDM6B-related disorder. Also called: KDM6B-related condition.

Allele frequency attached by ClinVar (database versions not stated): gnomAD exomes 0.00005; ExAC 0.00010; 1000 Genomes Project 30x 0.00016; 1000 Genomes Project 0.00020; ESP Exome Variant Server 0.00031; gnomAD 0.00040; TOPMed 0.00050.
gnomAD v4.1: 138 of 1,611,262 alleles (0.0086%); highest among the groups gnomAD compares: African/African-American, 0.16%; no homozygotes.

Submissions (2):

Ambry Genetics
Classification: Likely benign for Inborn genetic diseases. Last evaluated: 2021-06-15. Review status: criteria provided, single submitter. Criteria: Ambry Variant Classification Scheme 2023. Collection method: clinical testing. Allele origin: germline.

PreventionGenetics, part of Exact Sciences
Classification: Likely benign for KDM6B-related condition. Last evaluated: 2022-08-30. Review status: no assertion criteria provided. Collection method: clinical testing. Allele origin: germline. Not counted in ClinVar's aggregate classification.
Comment: This variant is classified as likely benign based on ACMG/AMP sequence variant interpretation guidelines (Richards et al. 2015 PMID: 25741868, with internal and published modifications).